The following is an entry in ClinVar:

ClinVar aggregate classification (germline): Likely benign (1 of 4 stars; one submission).

Submission:

CeGaT Center for Human Genetics Tuebingen
Classification: Likely benign. Last evaluated: 2022-05-01. Review status: criteria provided, single submitter. Criteria: CeGaT Center For Human Genetics Tuebingen Variant Classification Criteria Version 2. Collection method: clinical testing. Allele origin: germline. Affected: yes. Observed: 1 variant allele.
Comment: RP9: PM2:Supporting, BP4, BP7

NM_203288.2(RP9):c.486G>A (p.Gln162=)

Gene: RP9 (RP9 pre-mRNA splicing factor; minus strand). Cytogenetic location: 7p14.3.
Variant type: single nucleotide variant.
Coding change: c.486G>A on transcript NM_203288.2 (MANE Select); coding-DNA position 486, G replaced by A.
Protein change: p.Gln162=; no amino-acid change (glutamine 162 retained).
Molecular consequence: synonymous variant.
Genome position (GRCh38, 1-based): chr7:33,095,414, C>T on the plus strand (G>A on the coding strand, the complement: RP9 is on the minus strand). VCF-style: chr7-33095414-C-T. GRCh37 (hg19) VCF-style: chr7-33135026-C-T.
Identifiers: ClinVar variation 2657382 (VCV002657382.24), dbSNP rs2534907962, ClinGen allele CA454342202.